The following is an entry in ClinVar:

NM_004287.5(GOSR2):c.109A>T (p.Ile37Phe)

Genes: GOSR2 (golgi SNAP receptor complex member 2; plus strand), LRRC37A2 (leucine rich repeat containing 37 member A2), LOC126862578 (BRD4-independent group 4 enhancer GRCh37_chr17:45008344-45009543; plus strand). Cytogenetic location: 17q21.32.
Variant type: single nucleotide variant.
Coding change: c.109A>T on transcript NM_004287.5 (MANE Select); coding-DNA position 109, A replaced by T.
Protein change: p.Ile37Phe; replaces isoleucine 37 with phenylalanine.
Molecular consequence: missense variant. On other transcripts: non-coding transcript variant (3).
Genome position (GRCh38, 1-based): chr17:46,931,113, A>T. VCF-style: chr17-46931113-A-T. GRCh37 (hg19) VCF-style: chr17-45008479-A-T.
Other names: c.109A>T, p.Ile37Phe (NM_001012511.3, NM_001321133.2, NM_001330252.2 and 1 more transcripts); c.55A>T, p.Ile19Phe (NM_001321134.2, NM_001363851.2); c.106A>T, p.Ile36Phe (NM_001353114.2, NM_001353115.2, NM_001353116.2); short protein forms I19F, I37F, I36F.
Identifiers: ClinVar variation 3665942 (VCV003665942.2).
Genomic context (GRCh38, chr17:46,931,113, plus strand): 5'-TCACTATCTCTTTTCCAGCAATTATTCTTTTTTCTTTTTTGTACAGTAGTAGAAAACGAA[A>T]TCCAAGCAAGCATAGACCAGATATTCAGCCGTCTAGAACGTCTGGAGATTTTGTCCAGCA-3'
Protein context (NP_004278.2, residues 27-47): KQSVHIVENE[Ile37Phe]QASIDQIFSR

ClinVar aggregate classification (germline): Uncertain significance. Review status: criteria provided, multiple submitters, no conflicts (2 of 4 stars). 2 submissions from 2 submitters: Uncertain significance (2). Last evaluated 2024-12-02.

Conditions:
Progressive myoclonic epilepsy. Also called: Familial progressive myoclonic epilepsy; Myoclonus epilepsy; Progressive myoclonus epilepsy; Myoclonic Epilepsies, Progressive. Identifiers: Orphanet 308, Orphanet 98261, MedGen C0751778, MONDO:0020074.

gnomAD v4.1: 6 of 1,595,236 alleles (0.00038%); no homozygotes.

Submissions (2):

Labcorp Genetics (formerly Invitae), Labcorp
Classification: Uncertain significance for Progressive myoclonic epilepsy. Last evaluated: 2024-12-02. Review status: criteria provided, single submitter. Criteria: Invitae Variant Classification Sherloc (09022015). Collection method: clinical testing. Allele origin: germline.
Comment: This sequence change replaces isoleucine, which is neutral and non-polar, with phenylalanine, which is neutral and non-polar, at codon 37 of the GOSR2 protein (p.Ile37Phe). This variant is not present in population databases (gnomAD no frequency). This variant has not been reported in the literature in individuals affected with GOSR2-related conditions. An algorithm developed to predict the effect of missense changes on protein structure and function (PolyPhen-2) suggests that this variant¬†is likely to be tolerated. In summary, the available evidence is currently insufficient to determine the role of this variant in disease. Therefore, it has been classified as a Variant of Uncertain Significance.

Blueprint Genetics
Classification: Uncertain significance. Last evaluated: 2023-07-17. Review status: criteria provided, single submitter. Criteria: ACMG Guidelines, 2015. Collection method: clinical testing. Allele origin: germline.